The following is an entry in ClinVar:

NM_000256.3(MYBPC3):c.333T>C (p.Ala111=)

Gene: MYBPC3 (myosin binding protein C3; minus strand). Cytogenetic location: 11p11.2.
Variant type: single nucleotide variant.
Coding change: c.333T>C on transcript NM_000256.3 (MANE Select); coding-DNA position 333, T replaced by C.
Protein change: p.Ala111=; no amino-acid change (alanine 111 retained).
Molecular consequence: synonymous variant.
Genome position (GRCh38, 1-based): chr11:47,350,575, A>G on the plus strand (T>C on the coding strand, the complement: MYBPC3 is on the minus strand). VCF-style: chr11-47350575-A-G. GRCh37 (hg19) VCF-style: chr11-47372126-A-G.
Identifiers: ClinVar variation 42708 (VCV000042708.16), dbSNP rs397516017, ClinGen allele CA014013.

ClinVar aggregate classification (germline): Likely benign. Review status: criteria provided, multiple submitters, no conflicts (2 of 4 stars). 4 submissions from 4 submitters: Likely benign (4). Last evaluated 2026-02-07.

Conditions:
Hypertrophic cardiomyopathy. Also called: HYPERTROPHIC MYOCARDIOPATHY. Identifiers: Orphanet 217569, MedGen C0007194, MeSH D002312, MONDO:0005045, HP:0001639.

Allele frequency attached by ClinVar (database versions not stated): TOPMed below 0.00001.

Submissions (4):

Women's Health and Genetics/Laboratory Corporation of America, LabCorp
Classification: Likely benign. Last evaluated: 2026-02-07. Review status: criteria provided, single submitter. Criteria: LabCorp Variant Classification Summary - May 2015. Collection method: clinical testing. Allele origin: germline.

Labcorp Genetics (formerly Invitae), Labcorp
Classification: Likely benign for Hypertrophic cardiomyopathy. Last evaluated: 2024-11-21. Review status: criteria provided, single submitter. Criteria: Invitae Variant Classification Sherloc (09022015). Collection method: clinical testing. Allele origin: germline.

GeneDx
Classification: Likely benign. Last evaluated: 2018-09-25. Review status: criteria provided, single submitter. Criteria: GeneDx Variant Classification Process June 2021. Collection method: clinical testing. Allele origin: germline. Affected: yes.

Laboratory for Molecular Medicine, Mass General Brigham Personalized Medicine
Classification: Likely benign. Last evaluated: 2012-07-10. Review status: criteria provided, single submitter. Criteria: LMM Criteria. Collection method: clinical testing. Allele origin: germline. Observed: 1 variant allele.
Comment: Ala111Ala in exon 3 of MYBPC3: This variant is not expected to have clinical sig nificance because it does not alter an amino acid residue and is not located wit hin the splice consensus sequence. Ala111Ala in exon 3 of MYBPC3 (allele frequ ency = n/a)